The following is an entry in ClinVar:

ClinVar aggregate classification (germline): Uncertain significance. Review status: criteria provided, multiple submitters, no conflicts (2 of 4 stars). 2 submissions from 2 submitters: Uncertain significance (2). Last evaluated 2026-06-09.

Conditions:
Hereditary breast ovarian cancer syndrome. Also called: Breast and ovarian cancer; Hereditary breast and ovarian cancer syndrome (HBOC); BRCA1- and BRCA2-Associated Hereditary Breast and Ovarian Cancer; Hereditary breast and ovarian cancer syndrome; Hereditary breast and ovarian cancer; Hereditary breast and/or ovarian cancer syndrome. Identifiers: Orphanet 145, MedGen C0677776, MeSH D061325, MONDO:0003582. Disease mechanism: loss of function.
Hereditary cancer-predisposing syndrome. Also called: Hereditary neoplastic syndrome; Neoplastic Syndromes, Hereditary; Tumor predisposition; Hereditary Cancer Syndrome. Identifiers: Orphanet 140162, MedGen C0027672, MeSH D009386, MONDO:0015356.

Submissions (2):

Ambry Genetics
Classification: Uncertain significance for Hereditary cancer-predisposing syndrome. Last evaluated: 2026-06-09. Review status: criteria provided, single submitter. Criteria: Ambry Variant Classification Scheme 2023. Collection method: clinical testing. Allele origin: germline.
Comment: The c.8872_8880delAAGGAACAA variant (also known as p.K2958_Q2960del) is located in coding exon 21 of the BRCA2 gene. This variant results from an in-frame AAGGAACAA deletion at nucleotide positions 8872 to 8880. This results in the in-frame deletion of 3 amino acids (KEQ) at codons 2958 to 2960. These amino acid positions are not well conserved in available vertebrate species. In addition, the in silico prediction for this variant is inconclusive (Choi Y et al. PLoS ONE. 2012; 7(10):e46688). Based on the available evidence, the clinical significance of this variant remains unclear.

Labcorp Genetics (formerly Invitae), Labcorp
Classification: Uncertain significance for Hereditary breast ovarian cancer syndrome. Last evaluated: 2025-11-05. Review status: criteria provided, single submitter. Criteria: Invitae Variant Classification Sherloc (09022015). Collection method: clinical testing. Allele origin: germline.
Comment: This variant, c.8872_8880del, results in the deletion of 3 amino acid(s) of the BRCA2 protein (p.Lys2958_Gln2960del), but otherwise preserves the integrity of the reading frame. This variant is not present in population databases (gnomAD no frequency). This variant has not been reported in the literature in individuals affected with BRCA2-related conditions. ClinVar contains an entry for this variant (Variation ID: 2859703). Experimental studies and prediction algorithms are not available or were not evaluated, and the functional significance of this variant is currently unknown. In summary, the available evidence is currently insufficient to determine the role of this variant in disease. Therefore, it has been classified as a Variant of Uncertain Significance.

NM_000059.4(BRCA2):c.8872_8880del (p.Lys2958_Gln2960del)

Gene: BRCA2 (BRCA2 DNA repair associated; plus strand). Cytogenetic location: 13q13.1.
Variant type: Deletion.
Coding change: c.8872_8880del on transcript NM_000059.4 (MANE Select); coding-DNA positions 8872 to 8880, 9 bases deleted (AAGGAACAA; older notation c.8872_8880delAAGGAACAA).
Protein change: p.Lys2958_Gln2960del.
Molecular consequence: inframe deletion. On other transcripts: non-coding transcript variant (1).
Genome position (GRCh38, 1-based): chr13:32,379,434-32,379,442, AAGGAACAA deleted; deleting any 9 consecutive bases within chr13:32,379,428-32,379,442 gives the same sequence; the c. name uses the placement nearest the transcript's 3' end. VCF-style (leftmost placement, unchanged base first): chr13-32379427-TGAACAAAAG-T. GRCh37 (hg19) VCF-style: chr13-32953564-TGAACAAAAG-T.
Other names: c.8776_8784del, p.Lys2926_Gln2928del (NM_001406719.1); c.8872_8880del, p.Lys2958_Gln2960del (NM_001406720.1); c.3940_3948del, p.Lys1314_Gln1316del (NM_001406721.1); c.2455_2463del, p.Lys819_Gln821del (NM_001406722.1).
Identifiers: ClinVar variation 2859703 (VCV002859703.4), dbSNP rs2548555156, ClinGen allele CA2739277524.
Genomic context (GRCh38, chr13:32,379,427, plus strand): 5'-GTTGAATGATAAGAAACAAGCTCAGATCCAGTTGGAAATTAGGAAGGCCATGGAATCTGC[TGAACAAAAG>T]GAACAAGGTTTATCAAGGGATGTCACAACCGTGTGGAAGTTGCGTATTGTAAGCTATTCA-3'